The following is an entry in ClinVar:

ClinVar aggregate classification (germline): Pathogenic (1 of 4 stars; one submission).

Submission:

ISCA site 4
Classification: Pathogenic. Last evaluated: 2011-08-12. Review status: criteria provided, single submitter. Criteria: Kaminsky et al. (Genet Med. 2011). Collection method: clinical testing. Allele origin: unknown. Affected: yes. Observed: 1 variant allele.
Comment: Copy number variation identified through the course of routine clinical cytogenomic testing in postnatal populations. Clinical assertions have been curated as described in Kaminsky et al. 2011.

GRCh38/hg38 17p12-11.2(chr17:15898032-20620700)x1

Genes: LRRC75A (leucine rich repeat containing 75A; minus strand), MAPK7 (mitogen-activated protein kinase 7; plus strand), MED9 (mediator complex subunit 9; plus strand), MFAP4 (microfibril associated protein 4; minus strand), MIEF2 (mitochondrial elongation factor 2; plus strand) and 308 more. Cytogenetic location: 17p12-11.2.
Variant type: copy number loss.
Change: copy number 1 (one copy instead of two) of chr17:15,898,032-20,620,700 (4.72 Mb, GRCh38 coordinates, 1-based), cytogenetic band 17p12-11.2.
Identifiers: ClinVar variation 57018 (VCV000057018.1).